The following is an entry in ClinVar:

ClinVar aggregate classification (germline): Uncertain significance. Review status: criteria provided, multiple submitters, no conflicts (2 of 4 stars). 2 submissions from 2 submitters: Uncertain significance (2). Last evaluated 2022-12-11.

Conditions:
Hereditary cancer-predisposing syndrome. Also called: Hereditary neoplastic syndrome; Hereditary Cancer Syndrome; Tumor predisposition; Neoplastic Syndromes, Hereditary. Identifiers: Orphanet 140162, MedGen C0027672, MeSH D009386, MONDO:0015356.
Tumor predisposition syndrome 3 (TPDS3). Also called: Glioma susceptibility 9; LONG TELOMERE SYNDROME, POT1-RELATED; POT1 Tumor Predisposition; Melanoma, cutaneous malignant, susceptibility to, 10. Identifiers: Orphanet 618, MedGen C4014476, MONDO:0014368, OMIM 615848.

Submissions (2):

Ambry Genetics
Classification: Uncertain significance for Hereditary cancer-predisposing syndrome. Last evaluated: 2022-12-11. Review status: criteria provided, single submitter. Criteria: Ambry Variant Classification Scheme 2023. Collection method: clinical testing. Allele origin: germline.
Comment: The p.N75H variant (also known as c.223A>C), located in coding exon 3 of the POT1 gene, results from an A to C substitution at nucleotide position 223. The asparagine at codon 75 is replaced by histidine, an amino acid with similar properties. This amino acid position is conserved. In addition, this alteration is predicted to be tolerated by in silico analysis. Since supporting evidence is limited at this time, the clinical significance of this alteration remains unclear.

Labcorp Genetics (formerly Invitae), Labcorp
Classification: Uncertain significance for Tumor predisposition syndrome 3. Last evaluated: 2022-12-03. Review status: criteria provided, single submitter. Criteria: Invitae Variant Classification Sherloc (09022015). Collection method: clinical testing. Allele origin: germline.
Comment: In summary, the available evidence is currently insufficient to determine the role of this variant in disease. Therefore, it has been classified as a Variant of Uncertain Significance. Advanced modeling of protein sequence and biophysical properties (such as structural, functional, and spatial information, amino acid conservation, physicochemical variation, residue mobility, and thermodynamic stability) performed at Invitae indicates that this missense variant is not expected to disrupt POT1 protein function. This variant has not been reported in the literature in individuals affected with POT1-related conditions. This variant is not present in population databases (gnomAD no frequency). This sequence change replaces asparagine, which is neutral and polar, with histidine, which is basic and polar, at codon 75 of the POT1 protein (p.Asn75His).

NM_015450.3(POT1):c.223A>C (p.Asn75His)

Gene: POT1 (protection of telomeres 1; minus strand). Cytogenetic location: 7q31.33.
Variant type: single nucleotide variant.
Coding change: c.223A>C on transcript NM_015450.3 (MANE Select); coding-DNA position 223, A replaced by C.
Protein change: p.Asn75His; replaces asparagine 75 with histidine.
Molecular consequence: missense variant. On other transcripts: non-coding transcript variant (3), intron variant (1).
Genome position (GRCh38, 1-based): chr7:124,870,943, T>G on the plus strand (A>C on the coding strand, the complement: POT1 is on the minus strand). VCF-style: chr7-124870943-T-G. GRCh37 (hg19) VCF-style: chr7-124510997-T-G.
Other names: c.-138-7303A>C (NM_001042594.2); short protein forms N75H.
Identifiers: ClinVar variation 2450538 (VCV002450538.5), dbSNP rs2485504776, ClinGen allele CA369061382.